The following is an entry in ClinVar:

NM_212482.4(FN1):c.7310C>T (p.Thr2437Ile)

Genes: ATIC (5-aminoimidazole-4-carboxamide ribonucleotide formyltransferase/IMP cyclohydrolase; plus strand), FN1 (fibronectin 1; minus strand). Cytogenetic location: 2q35.
Variant type: single nucleotide variant.
Coding change: c.7310C>T on transcript NM_212482.4 (MANE Select); coding-DNA position 7310, C replaced by T.
Protein change: p.Thr2437Ile; replaces threonine 2437 with isoleucine.
Molecular consequence: missense variant.
Genome position (GRCh38, 1-based): chr2:215,362,021, G>A on the plus strand (C>T on the coding strand, the complement: FN1 is on the minus strand). VCF-style: chr2-215362021-G-A. GRCh37 (hg19) VCF-style: chr2-216226744-G-A.
Other names: c.7217C>T, p.Thr2406Ile (NM_001306129.2); c.6680C>T, p.Thr2227Ile (NM_001306130.2); c.6674C>T, p.Thr2225Ile (NM_001306131.2); c.6599C>T, p.Thr2200Ile (NM_001306132.2); c.7040C>T, p.Thr2347Ile (NM_001365517.2); c.7037C>T, p.Thr2346Ile (NM_001365518.2); c.6965C>T, p.Thr2322Ile (NM_001365519.2); c.6962C>T, p.Thr2321Ile (NM_001365520.2); and 8 more; short protein forms T2136I, T2225I, T2346I, T2406I, T2437I, T2227I, T2291I, T2316I.
Identifiers: ClinVar variation 1035792 (VCV001035792.10), dbSNP rs751303604, ClinGen allele CA2093584.

ClinVar aggregate classification (germline): Uncertain significance. Review status: criteria provided, multiple submitters, no conflicts (2 of 4 stars). 2 submissions from 2 submitters: Uncertain significance (2). Last evaluated 2023-10-22.

Conditions:
Glomerulopathy with fibronectin deposits 2 (GFND2). Identifiers: Orphanet 84090, MedGen C1866075, MONDO:0011165, OMIM 601894.
Spondylometaphyseal dysplasia - Sutcliffe type. Also called: Sutcliffe type of spondylometaphyseal dysplasia; Sutcliffe SMD; Spondylometaphyseal dysplasia, 'corner fracture' type; Spondylometaphyseal Dysplasia, Corner Fracture Type. Identifiers: Orphanet 93315, MedGen C0432221, MONDO:0008479, OMIM 184255.

Allele frequency attached by ClinVar (database versions not stated): ExAC 0.00001; gnomAD 0.00001; gnomAD exomes 0.00001; TOPMed 0.00002.
gnomAD v4.1: 5 of 1,614,050 alleles (0.00031%); highest among the groups gnomAD compares: African/African-American, 0.0013%; no homozygotes.

Submissions (2):

Labcorp Genetics (formerly Invitae), Labcorp
Classification: Uncertain significance. Last evaluated: 2023-10-22. Review status: criteria provided, single submitter. Criteria: Invitae Variant Classification Sherloc (09022015). Collection method: clinical testing. Allele origin: germline.
Comment: This sequence change replaces threonine, which is neutral and polar, with isoleucine, which is neutral and non-polar, at codon 2437 of the FN1 protein (p.Thr2437Ile). This variant is present in population databases (rs751303604, gnomAD 0.002%). This variant has not been reported in the literature in individuals affected with FN1-related conditions. ClinVar contains an entry for this variant (Variation ID: 1035792). An algorithm developed to predict the effect of missense changes on protein structure and function (PolyPhen-2) suggests that this variant is likely to be tolerated. In summary, the available evidence is currently insufficient to determine the role of this variant in disease. Therefore, it has been classified as a Variant of Uncertain Significance.

Fulgent Genetics
Classification: Uncertain significance for Spondylometaphyseal dysplasia - Sutcliffe type; Glomerulopathy with fibronectin deposits 2. Last evaluated: 2021-10-15. Review status: criteria provided, single submitter. Criteria: ACMG Guidelines, 2015. Collection method: clinical testing. Allele origin: unknown.